The following is an entry in ClinVar:

NM_001182.5(ALDH7A1):c.1301A>G (p.Tyr434Cys)

Gene: ALDH7A1 (aldehyde dehydrogenase 7 family member A1; minus strand). Cytogenetic location: 5q23.2.
Variant type: single nucleotide variant.
Coding change: c.1301A>G on transcript NM_001182.5 (MANE Select); coding-DNA position 1301, A replaced by G.
Protein change: p.Tyr434Cys; replaces tyrosine 434 with cysteine.
Molecular consequence: missense variant.
Genome position (GRCh38, 1-based): chr5:126,552,037, T>C on the plus strand (A>G on the coding strand, the complement: ALDH7A1 is on the minus strand). VCF-style: chr5-126552037-T-C. GRCh37 (hg19) VCF-style: chr5-125887729-T-C.
Other names: p.Y434C:TAT>TGT; c.1217A>G, p.Tyr406Cys (NM_001201377.2); c.1109A>G, p.Tyr370Cys (NM_001202404.2); short protein forms Y434C, Y370C, Y406C.
Identifiers: ClinVar variation 204848 (VCV000204848.9), dbSNP rs747597620, ClinGen allele CA313203.
Genomic context (GRCh38, chr5:126,552,037, plus strand): 5'-TCATTTATTTCAACATCAGGCTAGCGAACAGAATGCATTTTTACCTTGAATTTAAAGACA[T>C]AGAGAATCGGAGCAAAAGTCTCTGTGTGTGCAATGGACGCATCGTGGCCAAGACCTGTCA-3'
Protein context (NP_001173.2, residues 424-444): AHTETFAPIL[Tyr434Cys]VFKFKNEEEV

ClinVar aggregate classification (germline): Conflicting classifications of pathogenicity. Review status: criteria provided, conflicting classifications (1 of 4 stars). 4 submissions from 4 submitters: Likely pathogenic (1); Uncertain significance (3). Last evaluated 2025-01-15.

Conditions:
Pyridoxine-dependent epilepsy (EPEO4). Also called: Pyridoxine-Dependent Epilepsy - ALDH7A1; PYRIDOXINE DEPENDENCY WITH SEIZURES; Pyridoxine-Dependent Seizures; EPILEPSY, EARLY-ONSET, 4, VITAMIN B6-DEPENDENT. Identifiers: Orphanet 3006, MedGen C1849508, MONDO:0009945, OMIM 266100. Disease mechanism: loss of function.

Allele frequency attached by ClinVar (database versions not stated): ExAC 0.00002.
gnomAD v4.1: 14 of 1,613,052 alleles (0.00087%); highest among the groups gnomAD compares: Admixed American, 0.0083%; no homozygotes.

Submissions (4):

Labcorp Genetics (formerly Invitae), Labcorp
Classification: Uncertain significance for Pyridoxine-dependent epilepsy. Last evaluated: 2025-01-15. Review status: criteria provided, single submitter. Criteria: Invitae Variant Classification Sherloc (09022015). Collection method: clinical testing. Allele origin: germline.
Comment: This sequence change replaces tyrosine, which is neutral and polar, with cysteine, which is neutral and slightly polar, at codon 434 of the ALDH7A1 protein (p.Tyr434Cys). This variant is present in population databases (rs747597620, gnomAD 0.01%). This missense change has been observed in individual(s) with focal epilepsy and autism spectrum disorder (PMID: 33528079). This variant is also known as c.1217A>G (p.Tyr406Cys). ClinVar contains an entry for this variant (Variation ID: 204848). Invitae Evidence Modeling of protein sequence and biophysical properties (such as structural, functional, and spatial information, amino acid conservation, physicochemical variation, residue mobility, and thermodynamic stability) indicates that this missense variant is expected to disrupt ALDH7A1 protein function with a positive predictive value of 95%. In summary, the available evidence is currently insufficient to determine the role of this variant in disease. Therefore, it has been classified as a Variant of Uncertain Significance.

Blueprint Genetics
Classification: Uncertain significance. Last evaluated: 2023-12-07. Review status: criteria provided, single submitter. Criteria: ACMG Guidelines, 2015. Collection method: clinical testing. Allele origin: germline.

Women's Health and Genetics/Laboratory Corporation of America, LabCorp
Classification: Uncertain significance. Last evaluated: 2023-04-13. Review status: criteria provided, single submitter. Criteria: LabCorp Variant Classification Summary - May 2015. Collection method: clinical testing. Allele origin: germline.
Comment: Variant summary: ALDH7A1 c.1301A>G (p.Tyr434Cys) results in a non-conservative amino acid change in the encoded protein sequence. Five of five in-silico tools predict a damaging effect of the variant on protein function. The variant allele was found at a frequency of 2.4e-05 in 251196 control chromosomes (gnomAD). The available data on variant occurrences in the general population are insufficient to allow any conclusion about variant significance. The variant, c.1301A>G (aka. c.1217A>G / p.Y406C), has been reported in the literature in heterozygous state (i.e. without a second allele) in a patient affected with epilepsy and Asperger's syndrome (Atli_2022), and in another patient affected with autism spectrum disorder (ASD), who had no seizure episodes (Codina-Sola_2015). These reports do not provide unequivocal conclusions about association of the variant with Pyridoxine-Dependent Epilepsy. To our knowledge, no experimental evidence demonstrating an impact on protein function has been reported. One clinical diagnostic laboratory has submitted clinical-significance assessments for this variant to ClinVar after 2014, and classified the variant as uncertain significance. Based on the evidence outlined above, the variant was classified as uncertain significance.

GeneDx
Classification: Likely pathogenic. Last evaluated: 2013-06-06. Review status: criteria provided, single submitter. Criteria: GeneDx Variant Classification (06012015). Collection method: clinical testing. Allele origin: germline. Affected: yes.
Comment: p.Tyr434Cys (TAT>TGT): c.1301 A>G in exon 14 of the ALDH7A1 gene (NM_001182.3). The Tyr434Cys missense change has not been published as a mutation, nor has it been reported as a benign polymorphism to our knowledge. It was not observed in approximately 6,500 individuals of European and African American ancestry in the NHLBI Exome Sequencing Project, indicating it is not a common benign variant in these populations. Although Tyrosine and Cysteine are both uncharged, polar residues, the gain of a Cysteine residue may affect disulfide bond formation in the protein. The variant alters a conserved position in the catalytic domain of the protein, and missense mutations have been reported at nearby codons. Additionally, multiple in silico algorithms predict that Tyr434Cys may be damaging to the structure/function of the protein. Therefore, based on the currently available information, Tyr434Cys is a strong candidate for a disease-causing mutation, although the possibility that it is a benign variant cannot be excluded. The variant is found in INFANT-EPI panel(s).

Literature cited by the submitters: PubMed 33528079 (cited by Labcorp Genetics (formerly Invitae), Labcorp and Women's Health and Genetics/Laboratory Corporation of America, LabCorp); PubMed 30043187 (cited by Women's Health and Genetics/Laboratory Corporation of America, LabCorp); PubMed 25969726 (cited by Women's Health and Genetics/Laboratory Corporation of America, LabCorp).